The following is an entry in ClinVar:

ClinVar aggregate classification (germline): Benign/Likely benign. Review status: criteria provided, multiple submitters, no conflicts (2 of 4 stars). 3 submissions from 3 submitters: Benign (1); Likely benign (2). Last evaluated 2024-07-05.

Conditions:
Hereditary cancer-predisposing syndrome. Also called: Neoplastic Syndromes, Hereditary; Hereditary Cancer Syndrome; Hereditary neoplastic syndrome; Tumor predisposition. Identifiers: Orphanet 140162, MedGen C0027672, MeSH D009386, MONDO:0015356.
Oligodontia-cancer predisposition syndrome. Also called: TOOTH AGENESIS-COLORECTAL CANCER SYNDROME. Identifiers: Orphanet 300576, MedGen C1837750, MONDO:0012075, OMIM 608615. Disease mechanism: loss of function.

Allele frequency attached by ClinVar (database versions not stated): gnomAD exomes below 0.00001.
gnomAD v4.1: 3 of 1,613,938 alleles (0.00019%); highest among the groups gnomAD compares: Non-Finnish European, 0.00025%; no homozygotes.

Submissions (3):

Myriad Genetics, Inc.
Classification: Benign for Oligodontia-cancer predisposition syndrome. Last evaluated: 2024-07-05. Review status: criteria provided, single submitter. Criteria: Myriad Autosomal Dominant, Autosomal Recessive and X-Linked Classification Criteria (2023). Collection method: clinical testing. Allele origin: unknown.
Comment: This variant is considered benign. This variant is a silent/synonymous amino acid change and it is not expected to impact splicing.

Labcorp Genetics (formerly Invitae), Labcorp
Classification: Likely benign for Oligodontia-cancer predisposition syndrome. Last evaluated: 2023-09-08. Review status: criteria provided, single submitter. Criteria: Invitae Variant Classification Sherloc (09022015). Collection method: clinical testing. Allele origin: germline.

Ambry Genetics
Classification: Likely benign for Hereditary cancer-predisposing syndrome. Last evaluated: 2023-09-01. Review status: criteria provided, single submitter. Criteria: Ambry Variant Classification Scheme 2023. Collection method: clinical testing. Allele origin: germline.

NM_004655.4(AXIN2):c.1659G>A (p.Ser553=)

Gene: AXIN2 (axin 2; minus strand). Cytogenetic location: 17q24.1.
Variant type: single nucleotide variant.
Coding change: c.1659G>A on transcript NM_004655.4 (MANE Select); coding-DNA position 1659, G replaced by A.
Protein change: p.Ser553=; no amino-acid change (serine 553 retained).
Molecular consequence: synonymous variant.
Genome position (GRCh38, 1-based): chr17:65,537,377, C>T on the plus strand (G>A on the coding strand, the complement: AXIN2 is on the minus strand). VCF-style: chr17-65537377-C-T. GRCh37 (hg19) VCF-style: chr17-63533495-C-T.
Other names: c.1659G>A, p.Ser553= (NM_001363813.1); c.1659G>A (NM_004655.3).
Identifiers: ClinVar variation 1122117 (VCV001122117.11), dbSNP rs967153637, ClinGen allele CA293098178.